The following is an entry in ClinVar:

NM_032228.6(FAR1):c.768G>T (p.Ala256=)

Gene: FAR1 (fatty acyl-CoA reductase 1; plus strand). Cytogenetic location: 11p15.3.
Variant type: single nucleotide variant.
Coding change: c.768G>T on transcript NM_032228.6 (MANE Select); coding-DNA position 768, G replaced by T.
Protein change: p.Ala256=; no amino-acid change (alanine 256 retained).
Molecular consequence: synonymous variant.
Genome position (GRCh38, 1-based): chr11:13,711,808, G>T. VCF-style: chr11-13711808-G-T. GRCh37 (hg19) VCF-style: chr11-13733355-G-T.
Identifiers: ClinVar variation 1505382 (VCV001505382.6), dbSNP rs199571176, ClinGen allele CA5893378.
Genomic context (GRCh38, chr11:13,711,808, plus strand): 5'-AAATTTTTGGTATTAGGGATGGATTGATAACTTTAATGGACCAAGTGGTCTCTTTATTGC[G>T]GTAAGTAAACCTTTTGATTTATTTAATATTCTATACATTTTTCTGCTTTTTGTATATCTT-3'
Protein context (NP_115604.1, residues 246-266): NFNGPSGLFI[Ala256=]AGKGILRTIR

ClinVar aggregate classification (germline): Uncertain significance (1 of 4 stars; one submission).

Submission:

Labcorp Genetics (formerly Invitae), Labcorp
Classification: Uncertain significance. Last evaluated: 2025-07-28. Review status: criteria provided, single submitter. Criteria: Invitae Variant Classification Sherloc (09022015). Collection method: clinical testing. Allele origin: germline.
Comment: This sequence change affects codon 256 of the FAR1 mRNA. It is a 'silent' change, meaning that it does not change the encoded amino acid sequence of the FAR1 protein. This variant also falls at the last nucleotide of exon 6, which is part of the consensus splice site for this exon. This variant is present in population databases (rs199571176, gnomAD 0.02%). This variant has not been reported in the literature in individuals affected with FAR1-related conditions. ClinVar contains an entry for this variant (Variation ID: 1505382). Variants that disrupt the consensus splice site are a relatively common cause of aberrant splicing (PMID: 17576681, 9536098). Algorithms developed to predict the effect of sequence changes on RNA splicing suggest that this variant is not likely to affect RNA splicing. In summary, the available evidence is currently insufficient to determine the role of this variant in disease. Therefore, it has been classified as a Variant of Uncertain Significance.

Literature cited by the submitters: PubMed 17576681; PubMed 9536098.